The following is an entry in ClinVar:

ClinVar aggregate classification (germline): Uncertain significance (1 of 4 stars; one submission).

Conditions:
Leukocyte adhesion deficiency type II. Also called: CONGENITAL DISORDER OF GLYCOSYLATION, TYPE IIc; Congenital disorder of glycosylation type 2C; CDG 2C; Leukocyte adhesion deficiency type 2; Rambam Hasharon syndrome; CDG IIc. Identifiers: Orphanet 2968, Orphanet 99843, MedGen C0398739, MONDO:0009953, OMIM 266265.

Submission:

Labcorp Genetics (formerly Invitae), Labcorp
Classification: Uncertain significance for Leukocyte adhesion deficiency type II. Last evaluated: 2021-10-24. Review status: criteria provided, single submitter. Criteria: Invitae Variant Classification Sherloc (09022015). Collection method: clinical testing. Allele origin: germline.
Comment: This variant, c.943_945del, results in the deletion of 1 amino acid(s) of the SLC35C1 protein (p.Tyr315del), but otherwise preserves the integrity of the reading frame. This variant is present in population databases (rs760348382, ExAC 0.005%). This variant has not been reported in the literature in individuals affected with SLC35C1-related conditions. Experimental studies and prediction algorithms are not available or were not evaluated, and the functional significance of this variant is currently unknown. In summary, the available evidence is currently insufficient to determine the role of this variant in disease. Therefore, it has been classified as a Variant of Uncertain Significance.

NM_018389.5(SLC35C1):c.940TAC[1] (p.Tyr315del)

Gene: SLC35C1 (solute carrier family 35 member C1; plus strand). Cytogenetic location: 11p11.2.
Variant type: Microsatellite.
Coding change: c.940TAC[1] on transcript NM_018389.5 (MANE Select); one copy of the 3-base unit TAC starting at c.940; the reference has two copies in a row; one copy, 3 bases deleted.
Protein change: p.Tyr315del; deletes tyrosine 315.
Molecular consequence: inframe deletion. On other transcripts: inframe indel (1).
Genome position (GRCh38, 1-based): chr11:45,811,183-45,811,185, TAC deleted; deleting any 3 consecutive bases within chr11:45,811,179-45,811,185 gives the same sequence; the position shown is the placement nearest the transcript's 3' end. VCF-style (leftmost placement, unchanged base first): chr11-45811178-TCTA-T. GRCh37 (hg19) VCF-style: chr11-45832729-TCTA-T.
Other names: c.901TAC[1], p.Tyr302del (NM_001145265.2); c.901_903TAC[1], p.Tyr302del (NM_001145266.2); short protein forms Y302del, Y315del.
Identifiers: ClinVar variation 1383801 (VCV001383801.2), dbSNP rs760348382, ClinGen allele CA5958362.